The following is an entry in ClinVar:

NM_022168.4(IFIH1):c.860T>C (p.Met287Thr)

Gene: IFIH1 (interferon induced with helicase C domain 1; minus strand). Cytogenetic location: 2q24.2.
Variant type: single nucleotide variant.
Coding change: c.860T>C on transcript NM_022168.4 (MANE Select); coding-DNA position 860, T replaced by C.
Protein change: p.Met287Thr; replaces methionine 287 with threonine.
Molecular consequence: missense variant.
Genome position (GRCh38, 1-based): chr2:162,293,578, A>G on the plus strand (T>C on the coding strand, the complement: IFIH1 is on the minus strand). VCF-style: chr2-162293578-A-G. GRCh37 (hg19) VCF-style: chr2-163150088-A-G.
Other names: short protein forms M287T.
Identifiers: ClinVar variation 2081741 (VCV002081741.4), dbSNP rs2468978016, ClinGen allele CA349005868.

ClinVar aggregate classification (germline): Uncertain significance (1 of 4 stars; one submission).

Conditions:
Aicardi-Goutieres syndrome 7 (AGS7). Identifiers: Orphanet 51, MedGen C3888244, MONDO:0014367, OMIM 615846.
Singleton-Merten syndrome 1 (SGMRT1). Also called: Widened medullary cavities of bone, aortic calcification, abnormal dentition, and muscular weakness; Syndrome of widened medullary cavities of the metacarpals and phalanges, aortic calcification and abnormal dentition. Identifiers: Orphanet 85191, MedGen C4225427, MONDO:0024535, OMIM 182250.

Allele frequency attached by ClinVar (database versions not stated): gnomAD exomes below 0.00001.
gnomAD v4.1: 1 of 1,608,942 alleles (0.000062%); highest among the groups gnomAD compares: Non-Finnish European, 0.000085%; no homozygotes.

Submission:

Labcorp Genetics (formerly Invitae), Labcorp
Classification: Uncertain significance for Aicardi-Goutieres syndrome 7; Singleton-Merten syndrome 1. Last evaluated: 2022-06-09. Review status: criteria provided, single submitter. Criteria: Invitae Variant Classification Sherloc (09022015). Collection method: clinical testing. Allele origin: germline.
Comment: Algorithms developed to predict the effect of missense changes on protein structure and function (SIFT, PolyPhen-2, Align-GVGD) all suggest that this variant is likely to be tolerated. In summary, the available evidence is currently insufficient to determine the role of this variant in disease. Therefore, it has been classified as a Variant of Uncertain Significance. This variant has not been reported in the literature in individuals affected with IFIH1-related conditions. This sequence change replaces methionine, which is neutral and non-polar, with threonine, which is neutral and polar, at codon 287 of the IFIH1 protein (p.Met287Thr). This variant is not present in population databases (gnomAD no frequency).